The following is an entry in ClinVar:

ClinVar aggregate classification (germline): Pathogenic, low penetrance (1 of 4 stars; one submission).

Conditions:
CFI-related disorder. Also called: CFI-related condition; CFI-related disorders. Identifiers: MedGen CN239325.

gnomAD v4.1: 2 of 1,597,918 alleles (0.00013%); highest among the groups gnomAD compares: Non-Finnish European, 0.00017%; no homozygotes.

Submission:

Genomenon, Inc
Classification: Pathogenic, low penetrance for CFI-related disorder. Last evaluated: 2025-09-26. Review status: criteria provided, single submitter. Criteria: Genomenon Sequence Variant Interpretation Standards - Updated. Collection method: curation. Allele origin: germline. Affected: yes.
Comment: CFI p.Gln250Lys (c.748C>A) is a missense variant that changes the amino acid at residue 250 from Glutamine to Lysine. This variant has been observed in at least one proband affected with complement factor I deficiency (PMID:19065647). It has been observed in trans with a pathogenic/likely pathogenic variant (PMID:19065647). At least one functional study has demonstrated a substantial alteration in protein function relative to the wild-type (PMID:19065647). The variant is located in a mutational hotspot. It is absent or not present at a significant frequency in gnomAD. In conclusion, we classify CFI p.Gln250Lys (c.748C>A) as a pathogenic, low penetrance variant.

Literature cited by the submitters: PubMed 19065647.

NM_000204.5(CFI):c.748C>A (p.Gln250Lys)

Gene: CFI (complement factor I; minus strand). Cytogenetic location: 4q25.
Variant type: single nucleotide variant.
Coding change: c.748C>A on transcript NM_000204.5 (MANE Select); coding-DNA position 748, C replaced by A.
Protein change: p.Gln250Lys; replaces glutamine 250 with lysine.
Molecular consequence: missense variant. On other transcripts: non-coding transcript variant (3).
Genome position (GRCh38, 1-based): chr4:109,760,547, G>T on the plus strand (C>A on the coding strand, the complement: CFI is on the minus strand). VCF-style: chr4-109760547-G-T. GRCh37 (hg19) VCF-style: chr4-110681703-G-T.
Other names: c.748C>A, p.Gln250Lys (NM_001318057.2, NM_001331035.2, NM_001375278.1 and 10 more transcripts); c.139C>A, p.Gln47Lys (NM_001375284.1); short protein forms Q250K, Q47K.
Identifiers: ClinVar variation 4280529 (VCV004280529.1).